The following is an entry in ClinVar:

ClinVar aggregate classification (germline): Pathogenic. Review status: criteria provided, multiple submitters, no conflicts (2 of 4 stars). 3 submissions from 3 submitters: Pathogenic (3). Last evaluated 2025-06-30.

Conditions:
Alstrom syndrome (ALMS). Identifiers: Orphanet 64, MedGen C0268425, MONDO:0008763, OMIM 203800.
ALMS1-related disorder. Also called: ALMS1-related condition.

Allele frequency attached by ClinVar (database versions not stated): gnomAD exomes below 0.00001; TOPMed below 0.00001.
gnomAD v4.1: 5 of 1,609,778 alleles (0.00031%); highest among the groups gnomAD compares: Admixed American, 0.0017%; no homozygotes.

Submissions (3):

Natera, Inc.
Classification: Pathogenic for Alstrom syndrome. Last evaluated: 2025-06-30. Review status: criteria provided, single submitter. Criteria: Natera Variant Classification Schema (03/2026). Collection method: clinical testing. Allele origin: germline.
Comment: The c.7534C>T variant in ALMS1 is a nonsense variant predicted to introduce a stop codon at amino acid 2512. This variant is expected to result in nonsense mediated decay, truncation, or a dysfunctional protein product. This variant is rare in the general population with a frequency below the threshold expected for the associated phenotype(s). This variant has been observed in one or more individuals affected with the associated recessive disease, as either homozygous or compound heterozygous with a second variant (PMID: 17594715). Given the available evidence, this variant is classified as Pathogenic.

Labcorp Genetics (formerly Invitae), Labcorp
Classification: Pathogenic for Alstrom syndrome. Last evaluated: 2023-03-04. Review status: criteria provided, single submitter. Criteria: Invitae Variant Classification Sherloc (09022015). Collection method: clinical testing. Allele origin: germline.
Comment: ClinVar contains an entry for this variant (Variation ID: 866836). For these reasons, this variant has been classified as Pathogenic. The frequency data for this variant in the population databases is considered unreliable, as metrics indicate poor data quality at this position in the gnomAD database. This premature translational stop signal has been observed in individual(s) with Alström syndrome (PMID: 17594715). This sequence change creates a premature translational stop signal (p.Arg2512*) in the ALMS1 gene. It is expected to result in an absent or disrupted protein product. Loss-of-function variants in ALMS1 are known to be pathogenic (PMID: 17594715).

Blueprint Genetics
Classification: Pathogenic for ALMS1-related disorders. Last evaluated: 2018-10-19. Review status: criteria provided, single submitter. Criteria: ACMG Guidelines, 2015. Collection method: clinical testing. Allele origin: germline. Affected: yes. Observed: 1 variant allele.

Literature cited by the submitters: PubMed 17594715 (cited by Natera, Inc. and Labcorp Genetics (formerly Invitae), Labcorp).

NM_001378454.1(ALMS1):c.7531C>T (p.Arg2511Ter)

Gene: ALMS1 (ALMS1 centrosome and basal body associated protein; plus strand). Cytogenetic location: 2p13.1.
Variant type: single nucleotide variant.
Coding change: c.7531C>T on transcript NM_001378454.1 (MANE Select); coding-DNA position 7531, C replaced by T.
Protein change: p.Arg2511Ter; replaces arginine 2511 with a stop codon.
Molecular consequence: nonsense.
Genome position (GRCh38, 1-based): chr2:73,454,058, C>T. VCF-style: chr2-73454058-C-T. GRCh37 (hg19) VCF-style: chr2-73681185-C-T.
Other names: c.7534C>T, p.Arg2512Ter (NM_015120.4); short protein forms R2512*, R2511*.
Identifiers: ClinVar variation 866836 (VCV000866836.13), dbSNP rs1315351235, ClinGen allele CA347292671.